The following is an entry in ClinVar:

ClinVar aggregate classification (germline): Uncertain significance (1 of 4 stars; one submission).

Allele frequency attached by ClinVar (database versions not stated): gnomAD exomes 0.00019; ExAC 0.00021.

Submission:

Labcorp Genetics (formerly Invitae), Labcorp
Classification: Uncertain significance. Last evaluated: 2022-08-16. Review status: criteria provided, single submitter. Criteria: Invitae Variant Classification Sherloc (09022015). Collection method: clinical testing. Allele origin: germline.
Comment: In summary, the available evidence is currently insufficient to determine the role of this variant in disease. Therefore, it has been classified as a Variant of Uncertain Significance. Algorithms developed to predict the effect of missense changes on protein structure and function are either unavailable or do not agree on the potential impact of this missense change (SIFT: "Deleterious"; PolyPhen-2: "Probably Damaging"; Align-GVGD: "Class C0"). ClinVar contains an entry for this variant (Variation ID: 1398274). This variant has not been reported in the literature in individuals affected with MFSD2A-related conditions. This variant is present in population databases (rs200248629, gnomAD 0.04%). This sequence change replaces arginine, which is basic and polar, with tryptophan, which is neutral and slightly polar, at codon 366 of the MFSD2A protein (p.Arg366Trp).

NM_032793.5(MFSD2A):c.1057C>T (p.Arg353Trp)

Gene: MFSD2A (MFSD2 lysolipid transporter A, lysophospholipid; plus strand). Cytogenetic location: 1p34.2.
Variant type: single nucleotide variant.
Coding change: c.1057C>T on transcript NM_032793.5 (MANE Select); coding-DNA position 1057, C replaced by T.
Protein change: p.Arg353Trp; replaces arginine 353 with tryptophan.
Molecular consequence: missense variant. On other transcripts: intron variant (1).
Genome position (GRCh38, 1-based): chr1:39,967,673, C>T. VCF-style: chr1-39967673-C-T. GRCh37 (hg19) VCF-style: chr1-40433345-C-T.
Other names: c.1096C>T, p.Arg366Trp (NM_001136493.3); c.589C>T, p.Arg197Trp (NM_001287808.2); c.940C>T, p.Arg314Trp (NM_001287809.2); c.1051C>T, p.Arg351Trp (NM_001349821.2); c.712C>T, p.Arg238Trp (NM_001349823.2); c.1012-131C>T (NM_001349822.2); short protein forms R366W, R238W, R353W, R197W, R314W, R351W.
Identifiers: ClinVar variation 1398274 (VCV001398274.4), dbSNP rs200248629, ClinGen allele CA788884.